The following is an entry in ClinVar:

NM_003060.4(SLC22A5):c.1522T>C (p.Phe508Leu)

Gene: SLC22A5 (solute carrier family 22 member 5; plus strand). Cytogenetic location: 5q31.1.
Variant type: single nucleotide variant.
Coding change: c.1522T>C on transcript NM_003060.4 (MANE Select); coding-DNA position 1522, T replaced by C.
Protein change: p.Phe508Leu; replaces phenylalanine 508 with leucine.
Molecular consequence: missense variant.
Genome position (GRCh38, 1-based): chr5:132,393,747, T>C. VCF-style: chr5-132393747-T-C. GRCh37 (hg19) VCF-style: chr5-131729439-T-C.
Other names: c.1594T>C, p.Phe532Leu (NM_001308122.2); short protein forms F508L, F532L.
Identifiers: ClinVar variation 1977102 (VCV001977102.2), dbSNP rs11568521, ClinGen allele CA127213090.

ClinVar aggregate classification (germline): Uncertain significance (1 of 4 stars; one submission).

Conditions:
Renal carnitine transport defect (CDSP). Also called: Carnitine transporter deficiency; Carnitine Deficiency, Systemic; Systemic primary carnitine deficiency disease; Primary carnitine deficiency; CARNITINE DEFICIENCY, SYSTEMIC, DUE TO DEFECT IN RENAL REABSORPTION OF CARNITINE; CARNITINE TRANSPORTER, PLASMA-MEMBRANE, DEFICIENCY OF. Identifiers: Orphanet 158, MedGen C0342788, MONDO:0008919, OMIM 212140.

Allele frequency attached by ClinVar (database versions not stated): gnomAD exomes below 0.00001; TOPMed below 0.00001.
gnomAD v4.1: 2 of 1,614,156 alleles (0.00012%); highest among the groups gnomAD compares: Admixed American, 0.0017%; no homozygotes.

Submission:

Labcorp Genetics (formerly Invitae), Labcorp
Classification: Uncertain significance for Renal carnitine transport defect. Last evaluated: 2022-08-11. Review status: criteria provided, single submitter. Criteria: Invitae Variant Classification Sherloc (09022015). Collection method: clinical testing. Allele origin: germline.
Comment: This sequence change replaces phenylalanine, which is neutral and non-polar, with leucine, which is neutral and non-polar, at codon 508 of the SLC22A5 protein (p.Phe508Leu). This variant is not present in population databases (gnomAD no frequency). This variant has not been reported in the literature in individuals affected with SLC22A5-related conditions. Advanced modeling of protein sequence and biophysical properties (such as structural, functional, and spatial information, amino acid conservation, physicochemical variation, residue mobility, and thermodynamic stability) performed at Invitae indicates that this missense variant is not expected to disrupt SLC22A5 protein function. Experimental studies have shown that this missense change does not substantially affect SLC22A5 function (PMID: 18337137). Algorithms developed to predict the effect of sequence changes on RNA splicing suggest that this variant may disrupt the consensus splice site. In summary, the available evidence is currently insufficient to determine the role of this variant in disease. Therefore, it has been classified as a Variant of Uncertain Significance.

Literature cited by the submitters: PubMed 18337137.